The following is an entry in ClinVar:

NM_000169.3(GLA):c.1047G>A (p.Trp349Ter)

Genes: GLA (galactosidase alpha; minus strand), RPL36A-HNRNPH2 (RPL36A-HNRNPH2 readthrough; plus strand). Cytogenetic location: Xq22.1.
Variant type: single nucleotide variant.
Coding change: c.1047G>A on transcript NM_000169.3 (MANE Select); coding-DNA position 1047, G replaced by A.
Protein change: p.Trp349Ter; replaces tryptophan 349 with a stop codon.
Molecular consequence: nonsense. On other transcripts: non-coding transcript variant (3), intron variant (2).
Genome position (GRCh38, 1-based): chrX:101,398,052, C>T on the plus strand (G>A on the coding strand, the complement: GLA is on the minus strand). VCF-style: chrX-101398052-C-T. GRCh37 (hg19) VCF-style: chrX-100653040-C-T.
Other names: c.1170G>A, p.Trp390Ter (NM_001406747.1); c.300+2595C>T (NM_001199973.2); c.177+6230C>T (NM_001199974.2); short protein forms W349*, W390*.
Identifiers: ClinVar variation 4087191 (VCV004087191.2), dbSNP rs869312219.
Genomic context (GRCh38, chrX:101,398,052, plus strand): 5'-AACTGCGATGGTATAAGAGCGAGGTCCACCAATCTCCTGCCGGTTTATCATAGCTACAGC[C>T]CAGGCTAAGCCTGAGAGAGGTCGTTCCCACACTTCAAAGTTGTCTCCCTGAAAAACCAAG-3'

ClinVar aggregate classification (germline): Pathogenic (1 of 4 stars; one submission).

Conditions:
Fabry disease. Also called: ALPHA-GALACTOSIDASE A DEFICIENCY; ANDERSON-FABRY DISEASE; CERAMIDE TRIHEXOSIDASE DEFICIENCY; GLA DEFICIENCY; HEREDITARY DYSTOPIC LIPIDOSIS; Angiokeratoma corporis diffusum. Identifiers: Orphanet 324, MedGen C0002986, MONDO:0010526, OMIM 301500, HP:0001071. Disease mechanism: Fabry disease is due to inactivating mutations in the X-linked GLA gene resulting in deficiency of the enzyme Alpha Galactosidase-A., loss of function.

Submission:

Genomenon, Inc
Classification: Pathogenic for Fabry disease. Last evaluated: 2026-09-08. Review status: criteria provided, single submitter. Criteria: Genomenon Sequence Variant Interpretation Standards - Updated. Collection method: curation. Allele origin: germline. Affected: yes.
Comment: GLA p.Trp349Ter (c.1047G>A) is a nonsense variant that introduces a premature stop codon at amino acid position 349 and is predicted to result in a truncated or absent protein product. This variant has been observed in at least one proband with clinical features consistent with Fabry disease (PMID:36087505;30644091). Functional or patient cell studies have been reported (PMID:36087505;30644091). It is absent or not present at a significant frequency in gnomAD. In conclusion, we classify GLA p.Trp349Ter (c.1047G>A) as a pathogenic variant.

Literature cited by the submitters: PubMed 36087505; PubMed 30644091.